The following is an entry in ClinVar:

NM_000393.5(COL5A2):c.3529C>T (p.Pro1177Ser)

Gene: COL5A2 (collagen type V alpha 2 chain; minus strand). Cytogenetic location: 2q32.2.
Variant type: single nucleotide variant.
Coding change: c.3529C>T on transcript NM_000393.5 (MANE Select); coding-DNA position 3529, C replaced by T.
Protein change: p.Pro1177Ser; replaces proline 1177 with serine.
Molecular consequence: missense variant.
Genome position (GRCh38, 1-based): chr2:189,041,690, G>A on the plus strand (C>T on the coding strand, the complement: COL5A2 is on the minus strand). VCF-style: chr2-189041690-G-A. GRCh37 (hg19) VCF-style: chr2-189906416-G-A.
Other names: short protein forms P1177S.
Identifiers: ClinVar variation 1515675 (VCV001515675.9), dbSNP rs367939836, ClinGen allele CA62587102.

ClinVar aggregate classification (germline): Uncertain significance. Review status: criteria provided, multiple submitters, no conflicts (2 of 4 stars). 2 submissions from 2 submitters: Uncertain significance (2). Last evaluated 2025-01-12.

Conditions:
Ehlers-Danlos syndrome, classic type, 1 (EDSCL1). Also called: EHLERS-DANLOS SYNDROME, GRAVIS TYPE; EHLERS-DANLOS SYNDROME, SEVERE CLASSIC TYPE; Ehlers-Danlos syndrome, type 1; Ehlers-Danlos Syndrome, Classic Type, COL5A1-Related; EDS I. Identifiers: MedGen C0268335, MONDO:0019567, OMIM 130000.

Allele frequency attached by ClinVar (database versions not stated): gnomAD exomes 0.00001 and below 0.00001; TOPMed 0.00002; gnomAD 0.00001; ESP Exome Variant Server 0.00008.
gnomAD v4.1: 9 of 1,612,460 alleles (0.00056%); highest among the groups gnomAD compares: Non-Finnish European, 0.00068%; no homozygotes.

Submissions (2):

GeneDx
Classification: Uncertain significance. Last evaluated: 2025-01-12. Review status: criteria provided, single submitter. Criteria: GeneDx Variant Classification Process June 2021. Collection method: clinical testing. Allele origin: germline.
Comment: Not observed at significant frequency in large population cohorts (gnomAD); In silico analysis supports that this missense variant has a deleterious effect on protein structure/function; Has not been previously published as pathogenic or benign to our knowledge

Labcorp Genetics (formerly Invitae), Labcorp
Classification: Uncertain significance for Ehlers-Danlos syndrome, classic type, 1. Last evaluated: 2024-10-13. Review status: criteria provided, single submitter. Criteria: Invitae Variant Classification Sherloc (09022015). Collection method: clinical testing. Allele origin: germline.
Comment: This sequence change replaces proline, which is neutral and non-polar, with serine, which is neutral and polar, at codon 1177 of the COL5A2 protein (p.Pro1177Ser). This variant is present in population databases (rs367939836, gnomAD 0.002%). This variant has not been reported in the literature in individuals affected with COL5A2-related conditions. ClinVar contains an entry for this variant (Variation ID: 1515675). Invitae Evidence Modeling of protein sequence and biophysical properties (such as structural, functional, and spatial information, amino acid conservation, physicochemical variation, residue mobility, and thermodynamic stability) indicates that this missense variant is not expected to disrupt COL5A2 protein function with a negative predictive value of 80%. In summary, the available evidence is currently insufficient to determine the role of this variant in disease. Therefore, it has been classified as a Variant of Uncertain Significance.